The following is an entry in ClinVar:

NM_000038.6(APC):c.3203C>G (p.Ser1068Ter)

Gene: APC (APC regulator of Wnt signaling pathway; plus strand). Cytogenetic location: 5q22.2.
Variant type: single nucleotide variant.
Coding change: c.3203C>G on transcript NM_000038.6 (MANE Select); coding-DNA position 3203, C replaced by G.
Protein change: p.Ser1068Ter; replaces serine 1068 with a stop codon.
Molecular consequence: nonsense.
Genome position (GRCh38, 1-based): chr5:112,838,797, C>G. VCF-style: chr5-112838797-C-G. GRCh37 (hg19) VCF-style: chr5-112174494-C-G.
Other names: c.3203C>G, p.Ser1068Ter (NM_001127510.3, NM_001354895.2); c.3149C>G, p.Ser1050Ter (NM_001127511.3); c.3257C>G, p.Ser1086Ter (NM_001354896.2); c.3233C>G, p.Ser1078Ter (NM_001354897.2); c.3128C>G, p.Ser1043Ter (NM_001354898.2); c.3119C>G, p.Ser1040Ter (NM_001354899.2); c.3080C>G, p.Ser1027Ter (NM_001354900.2); c.3026C>G, p.Ser1009Ter (NM_001354901.2); and 5 more; short protein forms S1050*, S1068*, S1040*, S1043*, S785*, S1009*, S1027*, S1078*.
Identifiers: ClinVar variation 490258 (VCV000490258.6), dbSNP rs1554084848, ClinGen allele CA16028361.

ClinVar aggregate classification (germline): Pathogenic. Review status: criteria provided, multiple submitters, no conflicts (2 of 4 stars). 3 submissions from 3 submitters: Pathogenic (3). Last evaluated 2025-09-15.

Conditions:
Familial adenomatous polyposis 1 (FAP1). Also called: POLYPOSIS, ADENOMATOUS INTESTINAL; FAMILIAL ADENOMATOUS POLYPOSIS 1, ATTENUATED. Identifiers: MedGen C2713442, MONDO:0021056, OMIM 175100. Disease mechanism: loss of function.
Hereditary cancer-predisposing syndrome. Also called: Hereditary Cancer Syndrome; Neoplastic Syndromes, Hereditary; Tumor predisposition; Hereditary neoplastic syndrome. Identifiers: Orphanet 140162, MedGen C0027672, MeSH D009386, MONDO:0015356.

Submissions (3):

Institute of Human Genetics, University of Leipzig Medical Center
Classification: Pathogenic for Familial adenomatous polyposis 1. Last evaluated: 2025-09-15. Review status: criteria provided, single submitter. Criteria: ACMG Guidelines, 2015. Collection method: clinical testing. Allele origin: unknown. Inheritance: Autosomal dominant inheritance. Affected: yes.
Comment: Criteria applied: PVS1,PS4_SUP,PM2_SUP

Myriad Genetics, Inc.
Classification: Pathogenic for Familial adenomatous polyposis 1. Last evaluated: 2023-05-08. Review status: criteria provided, single submitter. Criteria: Myriad Autosomal Dominant, Autosomal Recessive and X-Linked Classification Criteria (2023). Collection method: clinical testing. Allele origin: unknown.
Comment: This variant is considered pathogenic. This variant creates a termination codon and is predicted to result in premature protein truncation.

Color Diagnostics, LLC DBA Color Health
Classification: Pathogenic for Hereditary cancer-predisposing syndrome. Last evaluated: 2020-04-20. Review status: criteria provided, single submitter. Criteria: ACMG Guidelines, 2015. Collection method: clinical testing. Allele origin: germline.
Comment: This variant changes 1 nucleotide in exon 16 of the APC gene, creating a premature translation stop signal. This variant is expected to result in an absent or non-functional protein product. This variant has been reported in a family affected with familial adenomatous polyposis (PMID: 12010888). This variant has not been identified in the general population by the Genome Aggregation Database (gnomAD). Loss of APC function is a known mechanism of disease. Based on the available evidence, this variant is classified as Pathogenic.